The following is an entry in ClinVar:

NM_001366385.1(CARD14):c.2408C>G (p.Thr803Arg)

Genes: SGSH (N-sulfoglucosamine sulfohydrolase; minus strand), CARD14 (caspase recruitment domain family member 14; plus strand), LOC126862662 (MED14-independent group 3 enhancer GRCh37_chr17:78178385-78179584; plus strand). Cytogenetic location: 17q25.3.
Variant type: single nucleotide variant.
Coding change: c.2408C>G on transcript NM_001366385.1 (MANE Select); coding-DNA position 2408, C replaced by G.
Protein change: p.Thr803Arg; replaces threonine 803 with arginine.
Molecular consequence: missense variant. On other transcripts: non-coding transcript variant (1).
Genome position (GRCh38, 1-based): chr17:80,205,044, C>G. VCF-style: chr17-80205044-C-G. GRCh37 (hg19) VCF-style: chr17-78178843-C-G.
Other names: c.2408C>G, p.Thr803Arg (NM_024110.4); short protein forms T803R.
Identifiers: ClinVar variation 2938715 (VCV002938715.3), dbSNP rs748305221, ClinGen allele CA8817320.

ClinVar aggregate classification (germline): Uncertain significance (1 of 4 stars; one submission).

Conditions:
Psoriasis 2. Identifiers: MedGen C1864497, MONDO:0011269, OMIM 602723.
Pityriasis rubra pilaris (PRP). Also called: Pityriasis rubra pilaris--familial type. Identifiers: Orphanet 2897, MedGen C0032027, MONDO:0100017, OMIM 173200, MONDO:0008251.

Allele frequency attached by ClinVar (database versions not stated): ExAC 0.00001.
gnomAD v4.1: 2 of 1,596,558 alleles (0.00013%); highest among the groups gnomAD compares: Non-Finnish European, 0.00017%; no homozygotes.

Submission:

Labcorp Genetics (formerly Invitae), Labcorp
Classification: Uncertain significance for Pityriasis rubra pilaris; Psoriasis 2. Last evaluated: 2023-02-14. Review status: criteria provided, single submitter. Criteria: Invitae Variant Classification Sherloc (09022015). Collection method: clinical testing. Allele origin: germline.
Comment: Advanced modeling of protein sequence and biophysical properties (such as structural, functional, and spatial information, amino acid conservation, physicochemical variation, residue mobility, and thermodynamic stability) performed at Invitae indicates that this missense variant is not expected to disrupt CARD14 protein function. In summary, the available evidence is currently insufficient to determine the role of this variant in disease. Therefore, it has been classified as a Variant of Uncertain Significance. This variant has not been reported in the literature in individuals affected with CARD14-related conditions. This variant is present in population databases (rs748305221, gnomAD 0.001%). This sequence change replaces threonine, which is neutral and polar, with arginine, which is basic and polar, at codon 803 of the CARD14 protein (p.Thr803Arg).